The following is an entry in ClinVar:

ClinVar aggregate classification (germline): Uncertain significance (1 of 4 stars; one submission).

Submission:

GeneDx
Classification: Uncertain significance. Last evaluated: 2019-06-04. Review status: criteria provided, single submitter. Criteria: GeneDx Variant Classification Process June 2021. Collection method: clinical testing. Allele origin: germline. Affected: yes.
Comment: Not observed in large population cohorts (Lek et al., 2016); In silico analysis, which includes protein predictors and evolutionary conservation, supports a deleterious effect; Has not been previously published as pathogenic or benign to our knowledge

NM_005334.3(HCFC1):c.5537C>G (p.Pro1846Arg)

Gene: HCFC1 (host cell factor C1; minus strand). Cytogenetic location: Xq28.
Variant type: single nucleotide variant.
Coding change: c.5537C>G on transcript NM_005334.3 (MANE Select); coding-DNA position 5537, C replaced by G.
Protein change: p.Pro1846Arg; replaces proline 1846 with arginine.
Molecular consequence: missense variant.
Genome position (GRCh38, 1-based): chrX:153,950,979, G>C on the plus strand (C>G on the coding strand, the complement: HCFC1 is on the minus strand). VCF-style: chrX-153950979-G-C. GRCh37 (hg19) VCF-style: chrX-153216430-G-C.
Other names: short protein forms P1846R.
Identifiers: ClinVar variation 1306198 (VCV001306198.2), dbSNP rs1466664115, ClinGen allele CA415103776.